The following is an entry in ClinVar:

NM_014845.6(FIG4):c.1331del (p.Thr444fs)

Gene: FIG4 (FIG4 phosphoinositide 5-phosphatase; plus strand). Cytogenetic location: 6q21.
Variant type: Deletion.
Coding change: c.1331del on transcript NM_014845.6 (MANE Select); coding-DNA position 1331, one base deleted (C; older notation c.1331delC).
Protein change: p.Thr444fs; shifts the reading frame from threonine 444.
Molecular consequence: frameshift variant.
Genome position (GRCh38, 1-based): chr6:109,762,150, C deleted. VCF-style (leftmost placement, unchanged base first): chr6-109762149-AC-A. GRCh37 (hg19) VCF-style: chr6-110083352-AC-A.
Other names: short protein forms T444fs.
Identifiers: ClinVar variation 817653 (VCV000817653.1), dbSNP rs1583697607, ClinGen allele CA915942768.

ClinVar aggregate classification (germline): Likely pathogenic (1 of 4 stars; one submission).

Submission:

GeneDx
Classification: Likely pathogenic. Last evaluated: 2017-10-30. Review status: criteria provided, single submitter. Criteria: GeneDx Variant Classification (06012015). Collection method: clinical testing. Allele origin: germline. Affected: yes.
Comment: A variant that is likely pathogenic has been identified in the FIG4 gene. The c.1331delC variant hasnot been published as a pathogenic variant, nor has it been reported as a benign variant to ourknowledge. The c.1331delC variant is not observed in large population cohorts (Lek et al., 2016). The c.1331delC variant in the FIG4 gene causes a frameshift starting with codon Threonine 444, changes this amino acid to a Lysine residue and creates a premature Stop codon at position 5 of the new reading frame, denoted p.Thr444LysfsX5. This likely pathogenic variant is predicted to cause loss of normal protein function either through protein truncation or nonsense-mediated mRNA decay. Therefore, this variant is likely pathogenic; however, the possibility that it is benign cannot be excluded.